The following is an entry in ClinVar:

ClinVar aggregate classification (germline): Conflicting classifications of pathogenicity. Review status: criteria provided, conflicting classifications (1 of 4 stars). 5 submissions from 5 submitters: Uncertain significance (1); Likely benign (3). 1 of the submissions does not count toward it. Last evaluated 2026-02-01.

Conditions:
Age related macular degeneration 1 (ARMD1). Also called: MACULOPATHY, AGE-RELATED, 1. Identifiers: MedGen C1864205, MONDO:0011285, OMIM 603075.
HMCN1-related disorder. Also called: HMCN1-related condition.

Allele frequency attached by ClinVar (database versions not stated): 1000 Genomes Project 30x 0.00031; 1000 Genomes Project 0.00040; ESP Exome Variant Server 0.00054; TOPMed 0.00074; gnomAD 0.00076.
gnomAD v4.1: 228 of 1,613,332 alleles (0.014%); highest among the groups gnomAD compares: African/African-American, 0.26%; no homozygotes.

Submissions (5):

Labcorp Genetics (formerly Invitae), Labcorp
Classification: Likely benign. Last evaluated: 2026-02-01. Review status: criteria provided, single submitter. Criteria: Invitae Variant Classification Sherloc (09022015). Collection method: clinical testing. Allele origin: germline.

Ambry Genetics
Classification: Uncertain significance. Last evaluated: 2025-01-02. Review status: criteria provided, single submitter. Criteria: Ambry Variant Classification Scheme 2023. Collection method: clinical testing. Allele origin: germline.

Genome-Nilou Lab
Classification: Likely benign for Age related macular degeneration 1. Last evaluated: 2023-04-11. Review status: criteria provided, single submitter. Criteria: ACMG Guidelines, 2015. Collection method: clinical testing. Allele origin: germline. Affected: no.

Illumina Laboratory Services, Illumina
Classification: Likely benign for Age related macular degeneration 1. Last evaluated: 2018-01-13. Review status: criteria provided, single submitter. Criteria: ICSL Variant Classification Criteria 13 December 2019. Collection method: clinical testing. Allele origin: germline.
Comment: This variant was observed in the ICSL laboratory as part of a predisposition screen in an ostensibly healthy population. It had not been previously curated by ICSL or reported in the Human Gene Mutation Database (HGMD: prior to June 1st, 2018), and was therefore a candidate for classification through an automated scoring system. Utilizing variant allele frequency, disease prevalence and penetrance estimates, and inheritance mode, an automated score was calculated to assess if this variant is too frequent to cause the disease. Based on the score and internal cut-off values, a variant classified as likely benign is not then subjected to further curation. The score for this variant resulted in a classification of likely benign for this disease.

PreventionGenetics, part of Exact Sciences
Classification: Likely benign for HMCN1-related condition. Last evaluated: 2020-11-02. Review status: no assertion criteria provided. Collection method: clinical testing. Allele origin: germline. Not counted in ClinVar's aggregate classification.
Comment: This variant is classified as likely benign based on ACMG/AMP sequence variant interpretation guidelines (Richards et al. 2015 PMID: 25741868, with internal and published modifications).

NM_031935.3(HMCN1):c.13313G>A (p.Ser4438Asn)

Gene: HMCN1 (hemicentin 1; plus strand). Cytogenetic location: 1q31.1.
Variant type: single nucleotide variant.
Coding change: c.13313G>A on transcript NM_031935.3 (MANE Select); coding-DNA position 13313, G replaced by A.
Protein change: p.Ser4438Asn; replaces serine 4438 with asparagine.
Molecular consequence: missense variant.
Genome position (GRCh38, 1-based): chr1:186,136,668, G>A. VCF-style: chr1-186136668-G-A. GRCh37 (hg19) VCF-style: chr1-186105800-G-A.
Other names: short protein forms S4438N.
Identifiers: ClinVar variation 294264 (VCV000294264.16), dbSNP rs61732179, ClinGen allele CA1294638.